The following is an entry in ClinVar:

NM_000426.4(LAMA2):c.8767G>A (p.Glu2923Lys)

Gene: LAMA2 (laminin subunit alpha 2; plus strand). Cytogenetic location: 6q22.33.
Variant type: single nucleotide variant.
Coding change: c.8767G>A on transcript NM_000426.4 (MANE Select); coding-DNA position 8767, G replaced by A.
Protein change: p.Glu2923Lys; replaces glutamic acid 2923 with lysine.
Molecular consequence: missense variant.
Genome position (GRCh38, 1-based): chr6:129,507,552, G>A. VCF-style: chr6-129507552-G-A. GRCh37 (hg19) VCF-style: chr6-129828697-G-A.
Other names: c.8755G>A, p.Glu2919Lys (NM_001079823.2); short protein forms E2919K, E2923K.
Identifiers: ClinVar variation 651590 (VCV000651590.4), dbSNP rs1583929114, ClinGen allele CA365635567.

ClinVar aggregate classification (germline): Uncertain significance (1 of 4 stars; one submission).

Conditions:
LAMA2-related muscular dystrophy (LAMA2-RD). Also called: Laminin alpha 2-related dystrophy. Identifiers: MedGen C5679788, MONDO:0100228.

Allele frequency attached by ClinVar (database versions not stated): gnomAD exomes below 0.00001.
gnomAD v4.1: 1 of 1,614,160 alleles (0.000062%); highest among the groups gnomAD compares: Non-Finnish European, 0.000085%; no homozygotes.

Submission:

Labcorp Genetics (formerly Invitae), Labcorp
Classification: Uncertain significance for LAMA2-related muscular dystrophy. Last evaluated: 2022-01-15. Review status: criteria provided, single submitter. Criteria: Invitae Variant Classification Sherloc (09022015). Collection method: clinical testing. Allele origin: germline.
Comment: This sequence change replaces glutamic acid, which is acidic and polar, with lysine, which is basic and polar, at codon 2923 of the LAMA2 protein (p.Glu2923Lys). This variant is not present in population databases (gnomAD no frequency). This variant has not been reported in the literature in individuals affected with LAMA2-related conditions. ClinVar contains an entry for this variant (Variation ID: 651590). Advanced modeling of protein sequence and biophysical properties (such as structural, functional, and spatial information, amino acid conservation, physicochemical variation, residue mobility, and thermodynamic stability) performed at Invitae indicates that this missense variant is not expected to disrupt LAMA2 protein function. In summary, the available evidence is currently insufficient to determine the role of this variant in disease. Therefore, it has been classified as a Variant of Uncertain Significance.